The following is an entry in ClinVar:

ClinVar aggregate classification (germline): Uncertain significance (1 of 4 stars; one submission).

Submission:

Labcorp Genetics (formerly Invitae), Labcorp
Classification: Uncertain significance. Last evaluated: 2023-11-27. Review status: criteria provided, single submitter. Criteria: Invitae Variant Classification Sherloc (09022015). Collection method: clinical testing. Allele origin: germline.
Comment: This sequence change replaces alanine, which is neutral and non-polar, with glutamic acid, which is acidic and polar, at codon 778 of the BICC1 protein (p.Ala778Glu). This variant is present in population databases (no rsID available, gnomAD 0.001%). This variant has not been reported in the literature in individuals affected with BICC1-related conditions. An algorithm developed to predict the effect of missense changes on protein structure and function (PolyPhen-2) suggests that this variant is likely to be disruptive. In summary, the available evidence is currently insufficient to determine the role of this variant in disease. Therefore, it has been classified as a Variant of Uncertain Significance.

NM_001080512.3(BICC1):c.2333_2334delinsAA (p.Ala778Glu)

Genes: BICC1 (BicC family RNA binding protein 1; plus strand), LOC126860938 (MED14-independent group 3 enhancer GRCh37_chr10:60566642-60567841; plus strand). Cytogenetic location: 10q21.1.
Variant type: Indel.
Coding change: c.2333_2334delinsAA on transcript NM_001080512.3 (MANE Select); coding-DNA positions 2333 to 2334, CC replaced by AA.
Protein change: p.Ala778Glu; replaces alanine 778 with glutamic acid.
Molecular consequence: missense variant.
Genome position (GRCh38, 1-based): chr10:58,807,115-58,807,116, CC replaced by AA. VCF-style: chr10-58807115-CC-AA. GRCh37 (hg19) VCF-style: chr10-60566875-CC-AA.
Other names: short protein forms A778E.
Identifiers: ClinVar variation 2983607 (VCV002983607.3), dbSNP rs2492141459, ClinGen allele CA2740092995.